The following is an entry in ClinVar:

ClinVar aggregate classification (germline): Benign (0 of 4 stars; one submission).

Conditions:
ZFHX3-related disorder. Also called: ZFHX3-related condition.

Submission:

PreventionGenetics, part of Exact Sciences
Classification: Benign for ZFHX3-related condition. Last evaluated: 2019-05-23. Review status: no assertion criteria provided. Collection method: clinical testing. Allele origin: germline.
Comment: This variant is classified as benign based on ACMG/AMP sequence variant interpretation guidelines (Richards et al. 2015 PMID: 25741868, with internal and published modifications).

NM_006885.4(ZFHX3):c.3968-7_3968-6dup

Genes: ZFHX3 (zinc finger homeobox 3; minus strand), ZFHX3-AS1 (ZFHX3 antisense RNA 1; plus strand). Cytogenetic location: 16q22.2.
Variant type: Duplication.
Coding change: c.3968-7_3968-6dup on transcript NM_006885.4 (MANE Select); 7 bases into the intron before coding-DNA position 3968 through 6 bases into the intron before coding-DNA position 3968, 2 bases duplicated (TT; older notation c.3968-7_3968-6dupTT).
Molecular consequence: intron variant.
Genome position (GRCh38, 1-based): chr16:72,798,720-72,798,721, AA duplicated on the plus strand (TT on the coding strand, the reverse complement: ZFHX3 is on the minus strand); duplicating any 2 consecutive bases within chr16:72,798,720-72,798,735 gives the same sequence; the c. name uses the placement nearest the transcript's 3' end. VCF-style (leftmost placement, unchanged base first): chr16-72798719-T-TAA. GRCh37 (hg19) VCF-style: chr16-72832618-T-TAA.
Other names: c.3968-7_3968-6dup (NM_001386735.1); c.1226-7_1226-6dup (NM_001164766.2).
Identifiers: ClinVar variation 3059882 (VCV003059882.2), dbSNP rs75174704, ClinGen allele CA8163890.
Genomic context (GRCh38, chr16:72,798,719, plus strand): 5'-GCTTTGCTCTGTGCTTGCGGATGGCAAGATGTTCTTTCCCAGATCCTCTGAGGTTTCTGT[T>TAA]AAAAAAAAAAAAAAAATCAAACCCAAAGATAAAGAAGGCTTTGTTTCAAGGATGGCACCC-3'